The following is an entry in ClinVar:

ClinVar aggregate classification (germline): Benign. Review status: criteria provided, multiple submitters, no conflicts (2 of 4 stars). 2 submissions from 2 submitters: Benign (2). Last evaluated 2018-11-11.

Allele frequency attached by ClinVar (database versions not stated): gnomAD exomes 0.09195; 1000 Genomes Project 0.17692; gnomAD 0.18335 and 0.19144; 1000 Genomes Project 30x 0.18770; TOPMed 0.19578.
gnomAD v4.1: 60,022 of 500,996 alleles (12%); highest among the groups gnomAD compares: African/African-American, 43%; 6,633 homozygotes.

Submissions (2):

GeneDx
Classification: Benign. Last evaluated: 2018-11-11. Review status: criteria provided, single submitter. Criteria: GeneDx Variant Classification Process June 2021. Collection method: clinical testing. Allele origin: germline. Affected: yes.
Comment: This variant is associated with the following publications: (PMID: 16299065)

Breakthrough Genomics
Classification: Benign. Review status: criteria provided, single submitter. Criteria: ACMG Guidelines, 2015. Collection method: not provided. Allele origin: germline. Inheritance: Autosomal dominant inheritance. Affected: yes.

NC_000001.11:g.196977416T>C

Gene: CFHR5 (complement factor H related 5; plus strand). Cytogenetic location: 1q31.3.
Variant type: single nucleotide variant.
Genome position: GRCh38 VCF-style: chr1-196977416-T-C. GRCh37 (hg19) VCF-style: chr1-196946546-T-C.
Identifiers: ClinVar variation 1225260 (VCV001225260.5), dbSNP rs9427661, ClinGen allele CA10931523.
Genomic context (GRCh38, chr1:196,977,416, plus strand): 5'-TTCTGATTGTTCCAAACTCAGAGACTCGGTGACTACAACAAGGAAATTGAACAGCAGTTA[T>C]TTTGCTTAAATAAATATTACATAACGAGCTGAGAATATTATTGTGAAGACACTGATTAGA-3'